The following is an entry in ClinVar:

NM_007129.5(ZIC2):c.80C>T (p.Ala27Val)

Gene: ZIC2 (Zic family zinc finger 2; plus strand). Cytogenetic location: 13q32.3.
Variant type: single nucleotide variant.
Coding change: c.80C>T on transcript NM_007129.5 (MANE Select); coding-DNA position 80, C replaced by T.
Protein change: p.Ala27Val; replaces alanine 27 with valine.
Molecular consequence: missense variant.
Genome position (GRCh38, 1-based): chr13:99,982,144, C>T. VCF-style: chr13-99982144-C-T. GRCh37 (hg19) VCF-style: chr13-100634398-C-T.
Other names: short protein forms A27V.
Identifiers: ClinVar variation 1417640 (VCV001417640.8), dbSNP rs781249527, ClinGen allele CA7032776.

ClinVar aggregate classification (germline): Uncertain significance (1 of 4 stars; one submission).

Conditions:
Holoprosencephaly 5 (HPE5). Identifiers: Orphanet 2162, MedGen C1864827, MONDO:0012322, OMIM 609637.

Allele frequency attached by ClinVar (database versions not stated): gnomAD 0.00001 and 0.00002; gnomAD exomes 0.00003; ExAC 0.00013.

Submission:

Labcorp Genetics (formerly Invitae), Labcorp
Classification: Uncertain significance for Holoprosencephaly 5. Last evaluated: 2024-12-17. Review status: criteria provided, single submitter. Criteria: Invitae Variant Classification Sherloc (09022015). Collection method: clinical testing. Allele origin: germline.
Comment: This sequence change replaces alanine, which is neutral and non-polar, with valine, which is neutral and non-polar, at codon 27 of the ZIC2 protein (p.Ala27Val). The frequency data for this variant in the population databases is considered unreliable, as metrics indicate poor data quality at this position in the gnomAD database. This variant has not been reported in the literature in individuals affected with ZIC2-related conditions. ClinVar contains an entry for this variant (Variation ID: 1417640). An algorithm developed to predict the effect of missense changes on protein structure and function (PolyPhen-2) suggests that this variant is likely to be disruptive. In summary, the available evidence is currently insufficient to determine the role of this variant in disease. Therefore, it has been classified as a Variant of Uncertain Significance.